The following is an entry in ClinVar:

NM_016194.4(GNB5):c.628-6G>A

Gene: GNB5 (G protein subunit beta 5; minus strand). Cytogenetic location: 15q21.2.
Variant type: single nucleotide variant.
Coding change: c.628-6G>A on transcript NM_016194.4 (MANE Select); 6 bases into the intron before coding-DNA position 628, G replaced by A.
Molecular consequence: intron variant.
Genome position (GRCh38, 1-based): chr15:52,135,762, C>T on the plus strand (G>A on the coding strand, the complement: GNB5 is on the minus strand). VCF-style: chr15-52135762-C-T. GRCh37 (hg19) VCF-style: chr15-52427959-C-T.
Other names: c.502-6G>A (NM_006578.4); c.346-6G>A (NM_001379343.1).
Identifiers: ClinVar variation 4073556 (VCV004073556.1).
Genomic context (GRCh38, chr15:52,135,762, plus strand): 5'-GCCCGCTCTCCACGTCCCACAGGGCACATGTGCCATCGCCGCTCGCTGTCAGGATCTGCC[C>T]GCAGAAAAGGACAGGAAGTGGGTGGTTGTGGTTATTGCTTATGCCGGGGGCAGTCAATCA-3'

ClinVar aggregate classification (germline): Likely pathogenic (1 of 4 stars; one submission).

Conditions:
Lodder-Merla syndrome, type 1, with impaired intellectual development and cardiac arrhythmia. Also called: Intellectual developmental disorder with cardiac arrhythmia; Gnb5-related intellectual disability-cardiac arrhythmia syndrome. Identifiers: Orphanet 542306, MedGen C5568877, MONDO:0014953, OMIM 617173.

gnomAD v4.1: 6 of 1,611,674 alleles (0.00037%); highest among the groups gnomAD compares: Admixed American, 0.0017%; no homozygotes.

Submission:

Plataforma de Genómica Funcional - SJD, Institut De Recerca Sant Joan De Déu
Classification: Likely pathogenic for Lodder-Merla syndrome, type 1, with impaired intellectual development and cardiac arrhythmia. Last evaluated: 2025-07-17. Review status: criteria provided, single submitter. Criteria: ACMG Guidelines, 2015. Collection method: clinical testing. Allele origin: paternal. Inheritance: Autosomal recessive inheritance. Affected: yes.
Comment: The c.628-6G>A variant (NM_016194.4) in GNB5 is a splice region variant not within 2-bp of a splicing junctionn. This variant is present in population databases with an extremely low allele frequency (gnomAD v4.1; PM2_supporting). This variant has been identified in a compound heterozygous state with a pathogenic variant, in an individual with severe impaired intellectual development and cardiac arrhythmia (PMID: 37994112, Internal lab contributor, PM3). The computational splicing predictor SpliceAI gives a score of 0.99, predicting that the variant disrupts the acceptor splice site of intron 7 (PP3_mod). Functional studies performed in patient's fibroblasts conducted at the Neurogenetics and Molecular Medicine Laboratory showed aberrant protein function (PMID: 37994112; PS3). In summary, this variant meets the criteria to be classified as Likely Pathogenic based on the ACMG/AMP criteria applied.

Literature cited by the submitters: PubMed 37994112.